The following is an entry in ClinVar:

NM_000844.4(GRM7):c.130C>A (p.Arg44=)

Gene: GRM7 (glutamate metabotropic receptor 7; plus strand). Cytogenetic location: 3p26.1.
Variant type: single nucleotide variant.
Coding change: c.130C>A on transcript NM_000844.4 (MANE Select); coding-DNA position 130, C replaced by A.
Protein change: p.Arg44=; no amino-acid change (arginine 44 retained).
Molecular consequence: synonymous variant.
Genome position (GRCh38, 1-based): chr3:6,861,518, C>A. VCF-style: chr3-6861518-C-A. GRCh37 (hg19) VCF-style: chr3-6903205-C-A.
Other names: c.130C>A, p.Arg44= (NM_181874.3).
Identifiers: ClinVar variation 2571171 (VCV002571171.27), dbSNP rs2470185607, ClinGen allele CA432538396.

ClinVar aggregate classification (germline): Likely benign (1 of 4 stars; one submission).

Allele frequency attached by ClinVar (database versions not stated): gnomAD exomes below 0.00001.
gnomAD v4.1: 1 of 1,577,418 alleles (0.000063%); highest among the groups gnomAD compares: Non-Finnish European, 0.000086%; no homozygotes.

Submission:

CeGaT Center for Human Genetics Tuebingen
Classification: Likely benign. Last evaluated: 2023-06-01. Review status: criteria provided, single submitter. Criteria: CeGaT Center For Human Genetics Tuebingen Variant Classification Criteria Version 2. Collection method: clinical testing. Allele origin: germline. Affected: yes. Observed: 1 variant allele.
Comment: GRM7: PM2:Supporting, BP4, BP7